The following is an entry in ClinVar:

ClinVar aggregate classification (germline): Uncertain significance (1 of 4 stars; one submission).

Conditions:
Birt-Hogg-Dube syndrome. Also called: Birt Hogg Dubé syndrome. Identifiers: Orphanet 122, MedGen C0346010, MONDO:0800444.

Submission:

Labcorp Genetics (formerly Invitae), Labcorp
Classification: Uncertain significance for Birt-Hogg-Dube syndrome. Last evaluated: 2018-01-15. Review status: criteria provided, single submitter. Criteria: Invitae Variant Classification Sherloc (09022015). Collection method: clinical testing. Allele origin: germline.
Comment: This sequence change replaces leucine with proline at codon 507 of the FLCN protein (p.Leu507Pro). The leucine residue is highly conserved and there is a moderate physicochemical difference between leucine and proline. This variant is not present in population databases (ExAC no frequency). This variant has not been reported in the literature in individuals with FLCN-related disease. Algorithms developed to predict the effect of missense changes on protein structure and function do not agree on the potential impact of this missense change (SIFT: "Deleterious"; PolyPhen-2: "Probably Damaging"; Align-GVGD: "Class C0"). In summary, the available evidence is currently insufficient to determine the role of this variant in disease. Therefore, it has been classified as a Variant of Uncertain Significance.

NM_144997.7(FLCN):c.1520T>C (p.Leu507Pro)

Gene: FLCN (folliculin; minus strand). Cytogenetic location: 17p11.2.
Variant type: single nucleotide variant.
Coding change: c.1520T>C on transcript NM_144997.7 (MANE Select); coding-DNA position 1520, T replaced by C.
Protein change: p.Leu507Pro; replaces leucine 507 with proline.
Molecular consequence: missense variant.
Genome position (GRCh38, 1-based): chr17:17,215,003, A>G on the plus strand (T>C on the coding strand, the complement: FLCN is on the minus strand). VCF-style: chr17-17215003-A-G. GRCh37 (hg19) VCF-style: chr17-17118317-A-G.
Other names: c.1574T>C, p.Leu525Pro (NM_001353229.2); c.1520T>C, p.Leu507Pro (NM_001353230.2, NM_001353231.2); c.1520T>C (LRG_325t1); short protein forms L507P, L525P.
Identifiers: ClinVar variation 573489 (VCV000573489.6), dbSNP rs1567807022, ClinGen allele CA398530738.